The following is an entry in ClinVar:

ClinVar aggregate classification (germline): Uncertain significance. Review status: criteria provided, multiple submitters, no conflicts (2 of 4 stars). 6 submissions from 4 submitters: Uncertain significance (6). Last evaluated 2024-01-12.

Conditions:
Hereditary spastic paraplegia 11. Also called: Spastic Paraplegia 11; Nakamura Osame syndrome; Autosomal recessive hereditary spastic paraplegia, mental impairment, and thin corpus callosum; Spastic paraplegia, mental retardation and thin corpus callosum; SPASTIC PARAPLEGIA, AUTOSOMAL RECESSIVE, COMPLICATED, WITH THIN CORPUS CALLOSUM; SPASTIC PARAPLEGIA, AUTOSOMAL RECESSIVE, WITH MENTAL IMPAIRMENT AND THIN CORPUS CALLOSUM. Identifiers: Orphanet 2822, MedGen C1858479, MONDO:0011445, OMIM 604360.
Charcot-Marie-Tooth disease axonal type 2X. Also called: CHARCOT-MARIE-TOOTH DISEASE, AXONAL, AUTOSOMAL RECESSIVE, TYPE 2X; CHARCOT-MARIE-TOOTH NEUROPATHY, TYPE 2X. Identifiers: Orphanet 466775, MedGen C5569024, MONDO:0014726, OMIM 616668.
Amyotrophic lateral sclerosis type 5 (ALS5). Also called: AMYOTROPHIC LATERAL SCLEROSIS 5, JUVENILE. Identifiers: Orphanet 300605, MedGen C1865864, MONDO:0011196, OMIM 602099.

Submissions (6):

Blueprint Genetics
Classification: Uncertain significance. Last evaluated: 2024-01-12. Review status: criteria provided, single submitter. Criteria: ACMG Guidelines, 2015. Collection method: clinical testing. Allele origin: germline.

Labcorp Genetics (formerly Invitae), Labcorp
Classification: Uncertain significance for Hereditary spastic paraplegia 11. Last evaluated: 2022-08-31. Review status: criteria provided, single submitter. Criteria: Invitae Variant Classification Sherloc (09022015). Collection method: clinical testing. Allele origin: germline.
Comment: This sequence change replaces leucine, which is neutral and non-polar, with isoleucine, which is neutral and non-polar, at codon 1170 of the SPG11 protein (p.Leu1170Ile). This variant is present in population databases (no rsID available, gnomAD 0.0009%). This missense change has been observed in individual(s) with clinical features of hereditary spastic paraplegia (PMID: 32989326). ClinVar contains an entry for this variant (Variation ID: 885627). Algorithms developed to predict the effect of missense changes on protein structure and function are either unavailable or do not agree on the potential impact of this missense change (SIFT: "Deleterious"; PolyPhen-2: "Possibly Damaging"; Align-GVGD: "Class C0"). In summary, the available evidence is currently insufficient to determine the role of this variant in disease. Therefore, it has been classified as a Variant of Uncertain Significance.

Illumina Laboratory Services, Illumina
Classification: Uncertain significance for Hereditary spastic paraplegia 11. Last evaluated: 2018-01-13. Review status: criteria provided, single submitter. Criteria: ICSL Variant Classification Criteria 13 December 2019. Collection method: clinical testing. Allele origin: germline.

Genome-Nilou Lab
Classification: Uncertain significance for Amyotrophic lateral sclerosis type 5. Review status: criteria provided, single submitter. Criteria: ACMG Guidelines, 2015. Collection method: clinical testing. Allele origin: germline.

Genome-Nilou Lab
Classification: Uncertain significance for Charcot-Marie-Tooth disease axonal type 2X. Review status: criteria provided, single submitter. Criteria: ACMG Guidelines, 2015. Collection method: clinical testing. Allele origin: germline.

Genome-Nilou Lab
Classification: Uncertain significance for Hereditary spastic paraplegia 11. Review status: criteria provided, single submitter. Criteria: ACMG Guidelines, 2015. Collection method: clinical testing. Allele origin: germline.

Literature cited by the submitters: PubMed 32989326 (cited by Labcorp Genetics (formerly Invitae), Labcorp).

NM_025137.4(SPG11):c.3508C>A (p.Leu1170Ile)

Gene: SPG11 (SPG11 vesicle trafficking associated, spatacsin; minus strand). Cytogenetic location: 15q21.1.
Variant type: single nucleotide variant.
Coding change: c.3508C>A on transcript NM_025137.4 (MANE Select); coding-DNA position 3508, C replaced by A.
Protein change: p.Leu1170Ile; replaces leucine 1170 with isoleucine.
Molecular consequence: missense variant.
Genome position (GRCh38, 1-based): chr15:44,606,037, G>T on the plus strand (C>A on the coding strand, the complement: SPG11 is on the minus strand). VCF-style: chr15-44606037-G-T. GRCh37 (hg19) VCF-style: chr15-44898235-G-T.
Other names: c.3508C>A, p.Leu1170Ile (NM_001160227.2); short protein forms L1170I.
Identifiers: ClinVar variation 885627 (VCV000885627.8), dbSNP rs534771304, ClinGen allele CA392223776.
Genomic context (GRCh38, chr15:44,606,037, plus strand): 5'-AGTTAACACTGCTAAAACATGTCTCAAGAAGTACCCATGATGACTTACCTCCTATAGCTA[G>T]TGTGTTAGCAGACTGCCAGCCAAACAATCTGCTAGGATCAAAGGGTGATAATGACTGAAA-3'
Protein context (NP_079413.3, residues 1160-1180): RLFGWQSANT[Leu1170Ile]AIGDAWSHLP